The following is an entry in ClinVar:

ClinVar aggregate classification (germline): Uncertain significance (1 of 4 stars; one submission).

Allele frequency attached by ClinVar (database versions not stated): gnomAD exomes below 0.00001 and 0.00001; TOPMed below 0.00001.
gnomAD v4.1: 6 of 1,614,044 alleles (0.00037%); highest among the groups gnomAD compares: Admixed American, 0.0017%; no homozygotes.

Submission:

Labcorp Genetics (formerly Invitae), Labcorp
Classification: Uncertain significance. Last evaluated: 2024-06-17. Review status: criteria provided, single submitter. Criteria: Invitae Variant Classification Sherloc (09022015). Collection method: clinical testing. Allele origin: germline.
Comment: This sequence change replaces threonine, which is neutral and polar, with methionine, which is neutral and non-polar, at codon 402 of the ATP1A1 protein (p.Thr402Met). This variant is present in population databases (no rsID available, gnomAD 0.003%). This variant has not been reported in the literature in individuals affected with ATP1A1-related conditions. ClinVar contains an entry for this variant (Variation ID: 1345596). Advanced modeling of protein sequence and biophysical properties (such as structural, functional, and spatial information, amino acid conservation, physicochemical variation, residue mobility, and thermodynamic stability) has been performed at Invitae for this missense variant, however the output from this modeling did not meet the statistical confidence thresholds required to predict the impact of this variant on ATP1A1 protein function. In summary, the available evidence is currently insufficient to determine the role of this variant in disease. Therefore, it has been classified as a Variant of Uncertain Significance.

NM_000701.8(ATP1A1):c.1205C>T (p.Thr402Met)

Gene: ATP1A1 (ATPase Na+/K+ transporting subunit alpha 1; plus strand). Cytogenetic location: 1p13.1.
Variant type: single nucleotide variant.
Coding change: c.1205C>T on transcript NM_000701.8 (MANE Select); coding-DNA position 1205, C replaced by T.
Protein change: p.Thr402Met; replaces threonine 402 with methionine.
Molecular consequence: missense variant.
Genome position (GRCh38, 1-based): chr1:116,390,394, C>T. VCF-style: chr1-116390394-C-T. GRCh37 (hg19) VCF-style: chr1-116933016-C-T.
Other names: c.1205C>T, p.Thr402Met (NM_001160233.2); c.1112C>T, p.Thr371Met (NM_001160234.2); short protein forms T402M, T371M.
Identifiers: ClinVar variation 1345596 (VCV001345596.8), dbSNP rs1165006226, ClinGen allele CA341844676.